The following is an entry in ClinVar:

ClinVar aggregate classification (germline): Uncertain significance (1 of 4 stars; one submission).

Conditions:
Duchenne muscular dystrophy (DMD). Also called: Duchenne Muscular Dystrophy (DMD); MUSCULAR DYSTROPHY, PSEUDOHYPERTROPHIC PROGRESSIVE, DUCHENNE TYPE. Identifiers: Orphanet 98896, MedGen C0013264, MONDO:0010679, OMIM 310200.

Submission:

Labcorp Genetics (formerly Invitae), Labcorp
Classification: Uncertain significance for Duchenne muscular dystrophy. Last evaluated: 2019-09-30. Review status: criteria provided, single submitter. Criteria: Invitae Variant Classification Sherloc (09022015). Collection method: clinical testing. Allele origin: germline.
Comment: This variant is not present in population databases (ExAC no frequency). This sequence change replaces glutamine with proline at codon 423 of the DMD protein (p.Gln423Pro). The glutamine residue is highly conserved and there is a moderate physicochemical difference between glutamine and proline. This variant has not been reported in the literature in individuals with DMD-related conditions. In summary, the available evidence is currently insufficient to determine the role of this variant in disease. Therefore, it has been classified as a Variant of Uncertain Significance. Algorithms developed to predict the effect of missense changes on protein structure and function are either unavailable or do not agree on the potential impact of this missense change (SIFT: "Deleterious"; PolyPhen-2: "Benign"; Align-GVGD: "Class C0").

NM_004006.3(DMD):c.1268A>C (p.Gln423Pro)

Gene: DMD (dystrophin; minus strand). Cytogenetic location: Xp21.1.
Variant type: single nucleotide variant.
Coding change: c.1268A>C on transcript NM_004006.3 (MANE Select); coding-DNA position 1268, A replaced by C.
Protein change: p.Gln423Pro; replaces glutamine 423 with proline.
Molecular consequence: missense variant.
Genome position (GRCh38, 1-based): chrX:32,644,195, T>G on the plus strand (A>C on the coding strand, the complement: DMD is on the minus strand). VCF-style: chrX-32644195-T-G. GRCh37 (hg19) VCF-style: chrX-32662312-T-G.
Other names: c.1244A>C, p.Gln415Pro (NM_000109.4); c.1256A>C, p.Gln419Pro (NM_004009.3); c.899A>C, p.Gln300Pro (NM_004010.3); short protein forms Q300P, Q423P, Q419P, Q415P.
Identifiers: ClinVar variation 936988 (VCV000936988.10), dbSNP rs2059644324, ClinGen allele CA412661020.
Genomic context (GRCh38, chrX:32,644,195, plus strand): 5'-CTTTGTTTTTCCATGCTAGCTACCCTGAGGCATTCCCATCTTGAATTTAGGAGATTCATC[T>G]GCTCTTGTACTTCAGTTTCTTCATCTTCTGATAATTTTCCTGTTCCAATCAGCTTACTTC-3'
Protein context (NP_003997.2, residues 413-433): SEDEETEVQE[Gln423Pro]MNLLNSRWEC